The following is an entry in ClinVar:

NC_000004.12:g.1395124T>C

Genes: CRIPAK (cysteine rich PAK1 inhibitor; plus strand), UVSSA (UV stimulated scaffold protein A; plus strand), LOC126806945 (P300/CBP strongly-dependent group 1 enhancer GRCh37_chr4:1388225-1389424; plus strand). Cytogenetic location: 4p16.3.
Variant type: single nucleotide variant.
Molecular consequence: missense variant (on NM_175918.3).
Genome position: GRCh38 VCF-style: chr4-1395124-T-C. GRCh37 (hg19) VCF-style: chr4-1388912-T-C.
Other names: c.613T>C, p.Cys205Arg (NM_175918.3); short protein forms C205R.
Identifiers: ClinVar variation 3077472 (VCV003077472.3), dbSNP rs1164293710, ClinGen allele CA2807023.

ClinVar aggregate classification (germline): Uncertain significance (1 of 4 stars; one submission).

Allele frequency attached by ClinVar (database versions not stated): ExAC 0.00003.

Submission:

Ambry Genetics
Classification: Uncertain significance. Last evaluated: 2026-06-15. Review status: criteria provided, single submitter. Criteria: Ambry Variant Classification Scheme 2023. Collection method: clinical testing. Allele origin: germline.
Comment: The c.613T>C (p.C205R) alteration is located in exon 1 (coding exon 1) of the CRIPAK gene. This alteration results from a T to C substitution at nucleotide position 613, causing the cysteine (C) at amino acid position 205 to be replaced by an arginine (R). Based on data from gnomAD, the C allele has an overall frequency of 0.005% (12/235496) total alleles studied. The highest observed frequency was 0.017% (1/5816) of Other alleles. Based on insufficient or conflicting evidence, the clinical significance of this alteration remains unclear.